The following is an entry in ClinVar:

NM_000116.5(TAFAZZIN):c.437G>T (p.Gly146Val)

Gene: TAFAZZIN (tafazzin, phospholipid-lysophospholipid transacylase; plus strand). Cytogenetic location: Xq28.
Variant type: single nucleotide variant.
Coding change: c.437G>T on transcript NM_000116.5 (MANE Select); coding-DNA position 437, G replaced by T.
Protein change: p.Gly146Val; replaces glycine 146 with valine.
Molecular consequence: missense variant. On other transcripts: intron variant (2).
Genome position (GRCh38, 1-based): chrX:154,414,167, G>T. VCF-style: chrX-154414167-G-T. GRCh37 (hg19) VCF-style: chrX-153642504-G-T.
Other names: c.491G>T, p.Gly164Val (NM_001303465.2); c.437G>T, p.Gly146Val (NM_181312.4); c.370+600G>T (NM_181311.4, NM_181313.4); short protein forms G164V, G146V.
Identifiers: ClinVar variation 853038 (VCV000853038.6), dbSNP rs782401618, ClinGen allele CA10562338.
Genomic context (GRCh38, chrX:154,414,167, plus strand): 5'-AATTTTTCCAAGCAGAGAATGAGGGGAAAGGTGTTCTAGACACAGGCAGGCACATGCCAG[G>T]TGCTGGAAAAAGAAGAGAGAAAGGTAAGCCAGGCATAGCGGTTCACACTTGTCATCCCAG-3'
Protein context (NP_000107.1, residues 136-156): GVLDTGRHMP[Gly146Val]AGKRREKGDG

ClinVar aggregate classification (germline): Uncertain significance (1 of 4 stars; one submission).

Conditions:
3-Methylglutaconic aciduria type 2 (BTHS). Also called: CARDIOSKELETAL MYOPATHY WITH NEUTROPENIA AND ABNORMAL MITOCHONDRIA; Barth syndrome. Identifiers: Orphanet 111, MedGen C0574083, MONDO:0010543, OMIM 302060.

Allele frequency attached by ClinVar (database versions not stated): ExAC 0.00001; gnomAD exomes 0.00001; TOPMed 0.00001; gnomAD 0.00002.
gnomAD v4.1: 2 of 1,207,870 alleles (0.00017%); highest among the groups gnomAD compares: African/African-American, 0.0035%; no homozygotes.

Submission:

Labcorp Genetics (formerly Invitae), Labcorp
Classification: Uncertain significance for 3-Methylglutaconic aciduria type 2. Last evaluated: 2025-06-03. Review status: criteria provided, single submitter. Criteria: Invitae Variant Classification Sherloc (09022015). Collection method: clinical testing. Allele origin: germline.
Comment: This sequence change replaces glycine, which is neutral and non-polar, with valine, which is neutral and non-polar, at codon 146 of the TAZ protein (p.Gly146Val). The frequency data for this variant in the population databases is considered unreliable, as metrics indicate poor data quality at this position in the gnomAD database. This variant has not been reported in the literature in individuals affected with TAZ-related conditions. ClinVar contains an entry for this variant (Variation ID: 853038). An algorithm developed to predict the effect of missense changes on protein structure and function (PolyPhen-2) suggests that this variant is likely to be tolerated. In summary, the available evidence is currently insufficient to determine the role of this variant in disease. Therefore, it has been classified as a Variant of Uncertain Significance.